The following is an entry in ClinVar:

NM_000701.8(ATP1A1):c.3006C>T (p.Asp1002=)

Genes: ATP1A1 (ATPase Na+/K+ transporting subunit alpha 1; plus strand), ATP1A1-AS1 (ATP1A1 antisense RNA 1; minus strand). Cytogenetic location: 1p13.1.
Variant type: single nucleotide variant.
Coding change: c.3006C>T on transcript NM_000701.8 (MANE Select); coding-DNA position 3006, C replaced by T.
Protein change: p.Asp1002=; no amino-acid change (aspartic acid 1002 retained).
Molecular consequence: synonymous variant.
Genome position (GRCh38, 1-based): chr1:116,403,938, C>T. VCF-style: chr1-116403938-C-T. GRCh37 (hg19) VCF-style: chr1-116946560-C-T.
Other names: c.3006C>T, p.Asp1002= (NM_001160233.2); c.2913C>T, p.Asp971= (NM_001160234.2); c.3006C>T (NM_000701.7).
Identifiers: ClinVar variation 1666690 (VCV001666690.12), dbSNP rs146071470, ClinGen allele CA1025695.

ClinVar aggregate classification (germline): Benign/Likely benign. Review status: criteria provided, multiple submitters, no conflicts (2 of 4 stars). 5 submissions from 5 submitters: Benign (3); Likely benign (1). 1 of the submissions does not count toward it. Last evaluated 2026-02-02.

Conditions:
ATP1A1-related disorder. Also called: ATP1A1-related condition.

Allele frequency attached by ClinVar (database versions not stated): gnomAD exomes 0.00014 and 0.00036; ExAC 0.00040; ESP Exome Variant Server 0.00092; 1000 Genomes Project 30x 0.00094; 1000 Genomes Project 0.00100; gnomAD 0.00115 and 0.00121; TOPMed 0.00142.
gnomAD v4.1: 384 of 1,614,186 alleles (0.024%); highest among the groups gnomAD compares: African/African-American, 0.4%; 1 homozygote.

Submissions (5):

Labcorp Genetics (formerly Invitae), Labcorp
Classification: Benign. Last evaluated: 2026-02-02. Review status: criteria provided, single submitter. Criteria: Invitae Variant Classification Sherloc (09022015). Collection method: clinical testing. Allele origin: germline.

Women's Health and Genetics/Laboratory Corporation of America, LabCorp
Classification: Benign. Last evaluated: 2025-02-04. Review status: criteria provided, single submitter. Criteria: LabCorp Variant Classification Summary - May 2015. Collection method: clinical testing. Allele origin: germline.

Blueprint Genetics
Classification: Likely benign. Last evaluated: 2024-07-18. Review status: criteria provided, single submitter. Criteria: ACMG Guidelines, 2015. Collection method: clinical testing. Allele origin: germline.

Breakthrough Genomics
Classification: Benign. Review status: criteria provided, single submitter. Criteria: ACMG Guidelines, 2015. Collection method: not provided. Allele origin: germline. Inheritance: Autosomal dominant inheritance. Affected: yes.

PreventionGenetics, part of Exact Sciences
Classification: Likely benign for ATP1A1-related condition. Last evaluated: 2024-06-24. Review status: no assertion criteria provided. Collection method: clinical testing. Allele origin: germline. Not counted in ClinVar's aggregate classification.
Comment: This variant is classified as likely benign based on ACMG/AMP sequence variant interpretation guidelines (Richards et al. 2015 PMID: 25741868, with internal and published modifications).